The following is an entry in ClinVar:

NM_153240.5(NPHP3):c.1211G>T (p.Ser404Ile)

Genes: NPHP3 (nephrocystin 3; minus strand), NPHP3-ACAD11 (NPHP3-ACAD11 readthrough (NMD candidate); minus strand). Cytogenetic location: 3q22.1.
Variant type: single nucleotide variant.
Coding change: c.1211G>T on transcript NM_153240.5 (MANE Select); coding-DNA position 1211, G replaced by T.
Protein change: p.Ser404Ile; replaces serine 404 with isoleucine.
Molecular consequence: missense variant. On other transcripts: non-coding transcript variant (1).
Genome position (GRCh38, 1-based): chr3:132,708,165, C>A on the plus strand (G>T on the coding strand, the complement: NPHP3 is on the minus strand). VCF-style: chr3-132708165-C-A. GRCh37 (hg19) VCF-style: chr3-132427009-C-A.
Other names: short protein forms S404I.
Identifiers: ClinVar variation 1505437 (VCV001505437.4), dbSNP rs765850571, ClinGen allele CA2622372.
Genomic context (GRCh38, chr3:132,708,165, plus strand): 5'-GCTTTGCTGGTCTTGTTTAGATTAGAAACTTGATCAATCAATTGCTGGACAGAGTCAGAA[C>A]TGACTTTTCCATCTTCCAAACGATGAAAGATTAATCGAGGTTTTCCTTCAGGGTTTTTCA-3'
Protein context (NP_694972.3, residues 394-414): IFHRLEDGKV[Ser404Ile]SDSVQQLIDQ

ClinVar aggregate classification (germline): Uncertain significance (1 of 4 stars; one submission).

Conditions:
Nephronophthisis. Also called: Juvenile Nephronophthisis. Identifiers: Orphanet 655, MedGen C0687120, MONDO:0019005, HP:0000090.

gnomAD v4.1: 6 of 1,614,146 alleles (0.00037%); highest among the groups gnomAD compares: Middle Eastern, 0.016%; no homozygotes.

Submission:

Labcorp Genetics (formerly Invitae), Labcorp
Classification: Uncertain significance for Nephronophthisis. Last evaluated: 2025-03-03. Review status: criteria provided, single submitter. Criteria: Invitae Variant Classification Sherloc (09022015). Collection method: clinical testing. Allele origin: germline.
Comment: This sequence change replaces serine, which is neutral and polar, with isoleucine, which is neutral and non-polar, at codon 404 of the NPHP3 protein (p.Ser404Ile). This variant is present in population databases (rs765850571, gnomAD 0.009%). This missense change has been observed in individual(s) with nephronophthisis (PMID: 37230223). ClinVar contains an entry for this variant (Variation ID: 1505437). Invitae Evidence Modeling of protein sequence and biophysical properties (such as structural, functional, and spatial information, amino acid conservation, physicochemical variation, residue mobility, and thermodynamic stability) indicates that this missense variant is not expected to disrupt NPHP3 protein function with a negative predictive value of 80%. In summary, the available evidence is currently insufficient to determine the role of this variant in disease. Therefore, it has been classified as a Variant of Uncertain Significance.

Literature cited by the submitters: PubMed 37230223.